The following is an entry in ClinVar:

NM_001353214.3(DYM):c.207T>C (p.Pro69=)

Gene: DYM (dymeclin; minus strand). Cytogenetic location: 18q21.1.
Variant type: single nucleotide variant.
Coding change: c.207T>C on transcript NM_001353214.3 (MANE Select); coding-DNA position 207, T replaced by C.
Protein change: p.Pro69=; no amino-acid change (proline 69 retained).
Molecular consequence: synonymous variant. On other transcripts: intron variant (5).
Genome position (GRCh38, 1-based): chr18:49,379,745, A>G on the plus strand (T>C on the coding strand, the complement: DYM is on the minus strand). VCF-style: chr18-49379745-A-G. GRCh37 (hg19) VCF-style: chr18-46906115-A-G.
Other names: c.207T>C (NM_017653.3); c.207T>C, p.Pro69= (NM_001353210.3, NM_001353213.3, NM_001353215.3 and 12 more transcripts); c.204T>C, p.Pro68= (NM_001353211.3, NM_001353212.3, NM_001374429.1 and 1 more transcripts); c.193+11848T>C (NM_001374443.1, NM_001374444.1, NM_001374442.1 and 2 more transcripts).
Identifiers: ClinVar variation 1149447 (VCV001149447.11), dbSNP rs145889194, ClinGen allele CA8958461.

ClinVar aggregate classification (germline): Likely benign. Review status: criteria provided, single submitter (1 of 4 stars). 2 submissions from 2 submitters: Likely benign (1). 1 of the submissions does not count toward it. Last evaluated 2022-08-23.

Conditions:
DYM-related disorder. Also called: DYM-related condition.

Allele frequency attached by ClinVar (database versions not stated): ExAC 0.00001; gnomAD exomes 0.00002 and 0.00012; gnomAD 0.00004 and 0.00005; TOPMed 0.00006; ESP Exome Variant Server 0.00008.
gnomAD v4.1: 180 of 1,612,956 alleles (0.011%); highest among the groups gnomAD compares: Non-Finnish European, 0.014%; no homozygotes.

Submissions (2):

Labcorp Genetics (formerly Invitae), Labcorp
Classification: Likely benign. Last evaluated: 2022-08-23. Review status: criteria provided, single submitter. Criteria: Invitae Variant Classification Sherloc (09022015). Collection method: clinical testing. Allele origin: germline.

PreventionGenetics, part of Exact Sciences
Classification: Likely benign for DYM-related condition. Last evaluated: 2019-03-16. Review status: no assertion criteria provided. Collection method: clinical testing. Allele origin: germline. Not counted in ClinVar's aggregate classification.
Comment: This variant is classified as likely benign based on ACMG/AMP sequence variant interpretation guidelines (Richards et al. 2015 PMID: 25741868, with internal and published modifications).